The following is an entry in ClinVar:

NM_000834.5(GRIN2B):c.2816_2817delinsAA (p.Arg939Gln)

Gene: GRIN2B (glutamate ionotropic receptor NMDA type subunit 2B; minus strand). Cytogenetic location: 12p13.1.
Variant type: Indel.
Coding change: c.2816_2817delinsAA on transcript NM_000834.5 (MANE Select); coding-DNA positions 2816 to 2817, GC replaced by AA.
Protein change: p.Arg939Gln; replaces arginine 939 with glutamine.
Molecular consequence: missense variant.
Genome position (GRCh38, 1-based): chr12:13,564,421-13,564,422, GC replaced by TT on the plus strand (GC replaced by AA on the coding strand, the reverse complement: GRIN2B is on the minus strand). VCF-style: chr12-13564421-GC-TT. GRCh37 (hg19) VCF-style: chr12-13717355-GC-TT.
Other names: c.2816_2817delinsAA, p.Arg939Gln (NM_001413992.1); short protein forms R939Q.
Identifiers: ClinVar variation 3755002 (VCV003755002.2).

ClinVar aggregate classification (germline): Uncertain significance (1 of 4 stars; one submission).

Conditions:
Developmental and epileptic encephalopathy, 27 (DEE27). Also called: Epileptic encephalopathy, early infantile, 27; GRIN2B-Related Neurodevelopmental Disorder. Identifiers: Orphanet 3451, MedGen C4015316, MONDO:0014505, OMIM 616139.
Intellectual developmental disorder, autosomal dominant 6, with or without seizures. Also called: Intellectual disability, autosomal dominant 6; GRIN2B-related developmental delay, intellectual disability and autism spectrum disorder. Identifiers: Orphanet 589547, MedGen C3151411, MONDO:0013509, OMIM 613970.

Submission:

Labcorp Genetics (formerly Invitae), Labcorp
Classification: Uncertain significance for Developmental and epileptic encephalopathy, 27; Intellectual developmental disorder, autosomal dominant 6, with or without seizures. Last evaluated: 2024-02-29. Review status: criteria provided, single submitter. Criteria: Invitae Variant Classification Sherloc (09022015). Collection method: clinical testing. Allele origin: germline.
Comment: This sequence change replaces arginine, which is basic and polar, with glutamine, which is neutral and polar, at codon 939 of the GRIN2B protein (p.Arg939Gln). Information on the frequency of this variant in the gnomAD database is not available, as this variant may be reported differently in the database. This variant has not been reported in the literature in individuals affected with GRIN2B-related conditions. An algorithm developed to predict the effect of missense changes on protein structure and function (PolyPhen-2) suggests that this variant is likely to be disruptive. In summary, the available evidence is currently insufficient to determine the role of this variant in disease. Therefore, it has been classified as a Variant of Uncertain Significance.